The following is an entry in ClinVar:

NM_172362.3(KCNH1):c.2774C>T (p.Thr925Ile)

Gene: KCNH1 (potassium voltage-gated channel subfamily H member 1; minus strand). Cytogenetic location: 1q32.2.
Variant type: single nucleotide variant.
Coding change: c.2774C>T on transcript NM_172362.3 (MANE Select); coding-DNA position 2774, C replaced by T.
Protein change: p.Thr925Ile; replaces threonine 925 with isoleucine.
Molecular consequence: missense variant.
Genome position (GRCh38, 1-based): chr1:210,683,477, G>A on the plus strand (C>T on the coding strand, the complement: KCNH1 is on the minus strand). VCF-style: chr1-210683477-G-A. GRCh37 (hg19) VCF-style: chr1-210856819-G-A.
Other names: c.2693C>T, p.Thr898Ile (NM_002238.4); short protein forms T898I, T925I.
Identifiers: ClinVar variation 3633722 (VCV003633722.2).

ClinVar aggregate classification (germline): Uncertain significance (1 of 4 stars; one submission).

Submission:

Labcorp Genetics (formerly Invitae), Labcorp
Classification: Uncertain significance. Last evaluated: 2024-05-29. Review status: criteria provided, single submitter. Criteria: Invitae Variant Classification Sherloc (09022015). Collection method: clinical testing. Allele origin: germline.
Comment: This sequence change replaces threonine, which is neutral and polar, with isoleucine, which is neutral and non-polar, at codon 925 of the KCNH1 protein (p.Thr925Ile). This variant is not present in population databases (gnomAD no frequency). This variant has not been reported in the literature in individuals affected with KCNH1-related conditions. Advanced modeling of protein sequence and biophysical properties (such as structural, functional, and spatial information, amino acid conservation, physicochemical variation, residue mobility, and thermodynamic stability) performed at Invitae indicates that this missense variant is not expected to disrupt KCNH1 protein function with a negative predictive value of 95%. In summary, the available evidence is currently insufficient to determine the role of this variant in disease. Therefore, it has been classified as a Variant of Uncertain Significance.